The following is an entry in ClinVar:

ClinVar aggregate classification (germline): Pathogenic (1 of 4 stars; one submission).

Submission:

CeGaT Center for Human Genetics Tuebingen
Classification: Pathogenic. Last evaluated: 2025-10-01. Review status: criteria provided, single submitter. Criteria: CeGaT Center For Human Genetics Tuebingen Variant Classification Criteria Version 2. Collection method: clinical testing. Allele origin: germline. Affected: yes. Observed: 1 variant allele.
Comment: WDFY3: PVS1, PM2

NM_014991.6(WDFY3):c.5090dup (p.Asn1697fs)

Gene: WDFY3 (WD repeat and FYVE domain containing 3; minus strand). Cytogenetic location: 4q21.23.
Variant type: Duplication.
Coding change: c.5090dup on transcript NM_014991.6 (MANE Select); coding-DNA position 5090, one base duplicated (A; older notation c.5090dupA).
Protein change: p.Asn1697fs; shifts the reading frame from asparagine 1697.
Molecular consequence: frameshift variant.
Genome position (GRCh38, 1-based): chr4:84,765,908, T duplicated on the plus strand (A on the coding strand, the reverse complement: WDFY3 is on the minus strand); the first of 2 consecutive T bases (chr4:84,765,908-84,765,909); duplicating either gives the same sequence. VCF-style (leftmost placement, unchanged base first): chr4-84765907-A-AT. GRCh37 (hg19) VCF-style: chr4-85687060-A-AT.
Other names: short protein forms N1697fs.
Identifiers: ClinVar variation 4534834 (VCV004534834.6).